The following is an entry in ClinVar:

ClinVar aggregate classification (germline): Likely benign. Review status: criteria provided, multiple submitters, no conflicts (2 of 4 stars). 2 submissions from 2 submitters: Likely benign (2). Last evaluated 2026-05-27.

Conditions:
PKD1-related disorder. Also called: PKD1-related condition.
Polycystic kidney disease, adult type (PKD1). Also called: Polycystic Kidney Disease 1, Autosomal Dominant; Polycystic kidney disease 1; Polycystic kidney disease 1, severe; POLYCYSTIC KIDNEY DISEASE 1 WITH OR WITHOUT POLYCYSTIC LIVER DISEASE; Polycystic Kidney, Autosomal Dominant; POLYCYSTIC KIDNEY DISEASE, ADULT, TYPE I. Identifiers: MedGen C3149841, MONDO:0008263, OMIM 173900.

gnomAD v4.1: 20 of 1,605,694 alleles (0.0012%); highest among the groups gnomAD compares: Admixed American, 0.017%; no homozygotes.

Submissions (2):

PreventionGenetics, part of Exact Sciences
Classification: Likely benign for PKD1-related condition. Last evaluated: 2026-05-27. Review status: criteria provided, single submitter. Criteria: ACMG Guidelines, 2015. Collection method: clinical testing. Allele origin: germline.
Comment: This variant is classified as likely benign based on ACMG/AMP sequence variant interpretation guidelines (Richards et al. 2015 PMID: 25741868, with internal and published modifications).

Department of Pathology and Laboratory Medicine, Sinai Health System
Classification: Likely benign for Polycystic kidney disease, adult type. Last evaluated: 2022-05-19. Review status: criteria provided, single submitter. Criteria: ACMG Guidelines, 2015. Collection method: clinical testing. Allele origin: germline. Affected: yes.

NM_001009944.3(PKD1):c.927C>T (p.Asp309=)

Gene: PKD1 (polycystin 1, transient receptor potential channel interacting; minus strand). Cytogenetic location: 16p13.3.
Variant type: single nucleotide variant.
Coding change: c.927C>T on transcript NM_001009944.3 (MANE Select); coding-DNA position 927, C replaced by T.
Protein change: p.Asp309=; no amino-acid change (aspartic acid 309 retained).
Molecular consequence: synonymous variant.
Genome position (GRCh38, 1-based): chr16:2,118,065, G>A on the plus strand (C>T on the coding strand, the complement: PKD1 is on the minus strand). VCF-style: chr16-2118065-G-A. GRCh37 (hg19) VCF-style: chr16-2168066-G-A.
Other names: c.927C>T, p.Asp309= (NM_000296.4).
Identifiers: ClinVar variation 3780331 (VCV003780331.2).